The following is an entry in ClinVar:

ClinVar aggregate classification (germline): Pathogenic (1 of 4 stars; one submission).

Conditions:
PPARG-related familial partial lipodystrophy. Also called: LIPODYSTROPHY, FAMILIAL PARTIAL, ASSOCIATED WITH PPARG MUTATIONS. Identifiers: Orphanet 79083, MedGen C1720861, MONDO:0011448, OMIM 604367.
Type 2 diabetes mellitus. Also called: Type II diabetes mellitus. Identifiers: MedGen C0011860, MeSH D003924, MONDO:0005148, OMIM 125853, HP:0005978.

Submission:

NYU Undiagnosed Diseases Program, NYU School of Medicine
Classification: Pathogenic for Type 2 diabetes mellitus; PPARG-related familial partial lipodystrophy. Last evaluated: 2025-09-29. Review status: criteria provided, single submitter. Criteria: ACMG Guidelines, 2015. Collection method: research. Allele origin: germline. Inheritance: Autosomal dominant inheritance. Affected: yes. Observed: 1 heterozygote.
Comment: This variant results in a complete deletion of exon 5 (NM_138711.6). This deletion is predicted to cause a frameshifting event resulting in a premature stop codon. Deletions of this exon are absent from the healthy population (gnomAD SVs v4 database), and a functional assay demonstrates a detrimental effect on the encoded PPARγ protein function. The predicted PPARγ protein does not include the DNA-binding domain and ligand-binding domain, resulting in dysfunction.

Literature cited by the submitters: PubMed 10622252.

Single allele

Genes: PPARG (peroxisome proliferator activated receptor gamma; plus strand), LOC129936169 (ATAC-STARR-seq lymphoblastoid active region 19439; plus strand), LOC129936170 (ATAC-STARR-seq lymphoblastoid active region 19440; plus strand). Cytogenetic location: 3p25.2.
Variant type: Deletion.
Identifiers: ClinVar variation 4277380 (VCV004277380.1).